The following is an entry in ClinVar:

ClinVar aggregate classification (germline): Uncertain significance (1 of 4 stars; one submission).

Conditions:
Cystic fibrosis (CF). Also called: MUCOVISCIDOSIS. Identifiers: Orphanet 586, MedGen C0010674, MONDO:0009061, OMIM 219700. Disease mechanism: loss of function.

Submission:

Ambry Genetics
Classification: Uncertain significance for Cystic fibrosis. Last evaluated: 2025-07-03. Review status: criteria provided, single submitter. Criteria: Ambry Variant Classification Scheme 2023. Collection method: clinical testing. Allele origin: germline.
Comment: The p.Y1307S variant (also known as c.3920A>C), located in coding exon 24 of the CFTR gene, results from an A to C substitution at nucleotide position 3920. The tyrosine at codon 1307 is replaced by serine, an amino acid with dissimilar properties. This amino acid position is conserved. In addition, the in silico prediction for this alteration is inconclusive. Based on the available evidence, the clinical significance of this variant remains unclear.

NM_000492.4(CFTR):c.3920A>C (p.Tyr1307Ser)

Gene: CFTR (CF transmembrane conductance regulator; plus strand). Cytogenetic location: 7q31.2.
Variant type: single nucleotide variant.
Coding change: c.3920A>C on transcript NM_000492.4 (MANE Select); coding-DNA position 3920, A replaced by C.
Protein change: p.Tyr1307Ser; replaces tyrosine 1307 with serine.
Molecular consequence: missense variant.
Genome position (GRCh38, 1-based): chr7:117,652,888, A>C. VCF-style: chr7-117652888-A-C. GRCh37 (hg19) VCF-style: chr7-117292942-A-C.
Other names: short protein forms Y1307S.
Identifiers: ClinVar variation 4227397 (VCV004227397.1).